The following is an entry in ClinVar:

NM_007055.4(POLR3A):c.2807G>C (p.Ser936Thr)

Gene: POLR3A (RNA polymerase III subunit A; minus strand). Cytogenetic location: 10q22.3.
Variant type: single nucleotide variant.
Coding change: c.2807G>C on transcript NM_007055.4 (MANE Select); coding-DNA position 2807, G replaced by C.
Protein change: p.Ser936Thr; replaces serine 936 with threonine.
Molecular consequence: missense variant.
Genome position (GRCh38, 1-based): chr10:77,991,148, C>G on the plus strand (G>C on the coding strand, the complement: POLR3A is on the minus strand). VCF-style: chr10-77991148-C-G. GRCh37 (hg19) VCF-style: chr10-79750906-C-G.
Other names: c.2807G>C (NM_007055.3); short protein forms S936T.
Identifiers: ClinVar variation 2068211 (VCV002068211.4), dbSNP rs139271396, ClinGen allele CA5571017.

ClinVar aggregate classification (germline): Uncertain significance. Review status: criteria provided, multiple submitters, no conflicts (2 of 4 stars). 2 submissions from 2 submitters: Uncertain significance (2). Last evaluated 2024-12-09.

Conditions:
Inborn genetic diseases. Identifiers: MedGen C0950123, MeSH D030342.

Allele frequency attached by ClinVar (database versions not stated): ExAC 0.00012; ESP Exome Variant Server 0.00046.

Submissions (2):

Labcorp Genetics (formerly Invitae), Labcorp
Classification: Uncertain significance. Last evaluated: 2024-12-09. Review status: criteria provided, single submitter. Criteria: Invitae Variant Classification Sherloc (09022015). Collection method: clinical testing. Allele origin: germline.
Comment: This sequence change replaces serine, which is neutral and polar, with threonine, which is neutral and polar, at codon 936 of the POLR3A protein (p.Ser936Thr). This variant is present in population databases (rs139271396, gnomAD 0.1%). This variant has not been reported in the literature in individuals affected with POLR3A-related conditions. ClinVar contains an entry for this variant (Variation ID: 2068211). Invitae Evidence Modeling of protein sequence and biophysical properties (such as structural, functional, and spatial information, amino acid conservation, physicochemical variation, residue mobility, and thermodynamic stability) indicates that this missense variant is not expected to disrupt POLR3A protein function with a negative predictive value of 80%. In summary, the available evidence is currently insufficient to determine the role of this variant in disease. Therefore, it has been classified as a Variant of Uncertain Significance.

Ambry Genetics
Classification: Uncertain significance for Inborn genetic diseases. Last evaluated: 2023-02-14. Review status: criteria provided, single submitter. Criteria: Ambry Variant Classification Scheme 2023. Collection method: clinical testing. Allele origin: germline.